The following is an entry in ClinVar:

ClinVar aggregate classification (germline): Conflicting classifications of pathogenicity. Review status: criteria provided, conflicting classifications (1 of 4 stars). 2 submissions from 2 submitters: Pathogenic (1); Uncertain significance (1). Last evaluated 2025-02-04.

Conditions:
Breast-ovarian cancer, familial, susceptibility to, 3. Also called: RAD51C-Related Breast/Ovarian Cancer. Identifiers: Orphanet 145, MedGen C3150659, MONDO:0013253, OMIM 613399.
Hereditary cancer-predisposing syndrome. Also called: Tumor predisposition; Hereditary neoplastic syndrome; Hereditary Cancer Syndrome; Neoplastic Syndromes, Hereditary. Identifiers: Orphanet 140162, MedGen C0027672, MeSH D009386, MONDO:0015356.

Submissions (2):

Department of Clinical Genetics, Copenhagen University Hospital, Rigshospitalet
Classification: Uncertain significance for Hereditary cancer-predisposing syndrome. Last evaluated: 2025-02-04. Review status: criteria provided, single submitter. Criteria: ACMG Guidelines, 2015. Collection method: clinical testing. Allele origin: germline.
Comment: PVS1_Strong; PM2_SUP

Hereditary Cancer Group, L’Institut d'Investigació Biomèdica de Bellvitge
Classification: Pathogenic for Breast-ovarian cancer, familial, susceptibility to, 3. Last evaluated: 2021-05-03. Review status: criteria provided, single submitter. Criteria: ACMG Guidelines, 2015. Collection method: curation. Allele origin: germline.

Literature cited by the submitters: PubMed 26740214 (cited by Department of Clinical Genetics, Copenhagen University Hospital, Rigshospitalet and Hereditary Cancer Group, L’Institut d'Investigació Biomèdica de Bellvitge); PubMed 39299233 (cited by Department of Clinical Genetics, Copenhagen University Hospital, Rigshospitalet).

NM_058216.3(RAD51C):c.945dup (p.His316fs)

Gene: RAD51C (RAD51 paralog C; plus strand). Cytogenetic location: 17q22.
Variant type: Duplication.
Coding change: c.945dup on transcript NM_058216.3 (MANE Select); coding-DNA position 945, one base duplicated (T; older notation c.945dupT).
Protein change: p.His316fs; shifts the reading frame from histidine 316.
Molecular consequence: frameshift variant. On other transcripts: non-coding transcript variant (1).
Genome position (GRCh38, 1-based): chr17:58,724,080, T duplicated; the last of 3 consecutive T bases (chr17:58,724,078-58,724,080); duplicating any one gives the same sequence. VCF-style (leftmost placement, unchanged base first): chr17-58724077-C-CT. GRCh37 (hg19) VCF-style: chr17-56801438-C-CT.
Other names: c.945dupT (NM_058216.3); short protein forms H316fs.
Identifiers: ClinVar variation 1098914 (VCV001098914.3), dbSNP rs2143962519, ClinGen allele CA2573054510.